The following continues an entry in ClinVar:

NM_000059.4(BRCA2):c.68-7T>A

Gene: BRCA2. ClinVar aggregate classification (germline): Benign. Benign (1).

Submissions 37 to 42 of 42:

Department of Pathology and Laboratory Medicine, Sinai Health System
Classification: Benign for Malignant tumor of breast. Review status: no assertion criteria provided. Collection method: clinical testing. Allele origin: unknown. Affected: yes. Study: The Canadian Open Genetics Repository (COGR). Not counted in ClinVar's aggregate classification.
Comment: The c.68-7T>A variant has been identified in ~20 families (and 14 affected probands) from our laboratory with breast cancer and 82 times in the UMD-BRCA2 database. In the literature, the variant was identified in 12 of 5594 proband chromosomes from individuals with breast and ovarian cancer, although an inadequate number of control chromosomes were tested to establish the variants' frequency in the general population such that the full spectrum of benign variation may not yet been defined for this gene, and increasing the possibility that this may be a benign variant (Hilton 2002, Muller 2011, Santarosa 1999, Thirthagiri 2008). The variant was identified by the ESP project (0.0015 in EU; 0.0002 in AA), and was identified in the Exome Aggregation Consortium (ExAC) database in all populations listed (European (Non-Finnish), East Asian, African, Latino, South Asian, European (Finnish)) with an overall frequency of 0.002, suggesting this may be a low frequency variant. However, homozygous deleterious variants of the BRCA2 gene have been demonstrated to cause Fanconi-Anemia, which was not reported in this individual, and increasing the likelihood that this variant is benign, but this information does not rule out the possibility that this variant could have contributed to the cancer in this family. The variant is listed in dbSNP database as coming from a "clinical source" (ID#: rs81002830) and had a frequency of 0.002 in the 1000 Genomes project. This variant was identified in ClinVar (by Invitae as Likely Benign, GeneDx as Benign, Sharing clinical reports project derived from Myriad reports as Uncertain significance (as of 2012 - more recently, in a personal communication Myriad has re-classified this variant as a polymorphism), by the BIC database as Uncertain significance. The c.68-7T>A variant is located in the 3' splice region but does not affect the invariant -1 and -2 positions. However, positions -3 and -5 to -12 are part of the splicing consensus sequence and variants involving these positions sometimes affect splicing. In-silico or computational prediction software (SpliceSiteFinder, MaxEntScan, NNSPLICE, HumanSpliceFinder) predicts a greater than 10% difference in splicing in 2 of 4 different programs. However, this information is not predictive enough to rule in or out pathogenicity. Studies have shown the increased rate of exon 3 skipping for this variant (20-30%), but this has also been observed in controls (Muller 2011, Thery 2011, Sanz 2010, Vreeswijk 2009, Houdayer 2012, Santorosa 1999). The c.68-7T>A variant and two other variants located at the same nucleotide position (c.68-7delT, and one c.68-78delAA) were all found to sometimes co-occur with a pathogenic BRCA2 mutation (Muller 2011), increasing the likelihood that this variant does not have clinical significance. In the UMD database, the variant was identified as co-occurring with another pathogenic variant 9x (4x in BRCA2 with: c.1796_1800delCTTAT (p.Ser599X) or c.5130_5133delTGTA (p.Tyr1710X)). In summary, based on the above information, this variant meets our laboratoryâ€šÃ„Ã´s criteria to be classified as benign.

Dr. Peter K. Rogan Lab, Western University
No classification provided (evidence only). Condition: Malignant tumor of esophagus. Review status: no classification provided. Collection method: in vitro. Allele origin: not applicable. Functional consequence: retained intron. Not counted in ClinVar's aggregate classification.

Dr. Peter K. Rogan Lab, Western University
No classification provided (evidence only). Condition: Uterine corpus endometrial carcinoma. Review status: no classification provided. Collection method: in vitro. Allele origin: not applicable. Functional consequence: retained intron. Not counted in ClinVar's aggregate classification.

Dr. Peter K. Rogan Lab, Western University
No classification provided (evidence only). Condition: Ovarian serous cystadenocarcinoma. Review status: no classification provided. Collection method: in vitro. Allele origin: not applicable. Functional consequence: retained intron. Not counted in ClinVar's aggregate classification.

Dr. Peter K. Rogan Lab, Western University
No classification provided (evidence only). Condition: Malignant tumor of esophagus. Review status: no classification provided. Collection method: in vitro. Allele origin: not applicable. Functional consequence: skipped exon. Not counted in ClinVar's aggregate classification.

Genomic Diagnostic Laboratory, Division of Genomic Diagnostics, Children's Hospital of Philadelphia
Classification: Uncertain significance for Hereditary Breast and Ovarian Cancer. Last evaluated: 2015-07-21. Review status: flagged submission. Criteria: DGD Variant Analysis Guidelines. Collection method: clinical testing. Allele origin: unknown. Not counted in ClinVar's aggregate classification.
ClinVar note: Reason: Conflicts with expert reviewed submission without evidence to support different classification

Literature cited by the submitters: DOI 10.3389/fgene.2022.834265 (cited by National Health Laboratory Service, Universitas Academic Hospital and University of the Free State); PubMed 18693280 (cited by Illumina Laboratory Services, Illumina and Women's Health and Genetics/Laboratory Corporation of America, LabCorp); PubMed 22505045 (cited by 3 submitters); PubMed 20104584 (cited by Illumina Laboratory Services, Illumina); PubMed 12237285 (cited by 3 submitters); PubMed 25136594 (cited by Illumina Laboratory Services, Illumina); PubMed 24607278 (cited by 4 submitters); PubMed 23683081 (cited by Illumina Laboratory Services, Illumina); PubMed 20215541 (cited by 3 submitters); PubMed 21673748 (cited by 3 submitters); PubMed 22666503 (cited by Illumina Laboratory Services, Illumina and Women's Health and Genetics/Laboratory Corporation of America, LabCorp); PubMed 21939546 (cited by 3 submitters); PubMed 20927582 (cited by Women's Health and Genetics/Laboratory Corporation of America, LabCorp); PubMed 17971607 (cited by Women's Health and Genetics/Laboratory Corporation of America, LabCorp); PubMed 22848303 (cited by Women's Health and Genetics/Laboratory Corporation of America, LabCorp); PubMed 14647210 (cited by Women's Health and Genetics/Laboratory Corporation of America, LabCorp); PubMed 17233897 (cited by Women's Health and Genetics/Laboratory Corporation of America, LabCorp); PubMed 10449599 (cited by Women's Health and Genetics/Laboratory Corporation of America, LabCorp); PubMed 25146914 (cited by Women's Health and Genetics/Laboratory Corporation of America, LabCorp); PubMed 18284688 (cited by Pathway Genomics); PubMed 22144684 (cited by Pathway Genomics); PubMed 27495310 (cited by Department of Medical Genetics, University Hospital of North Norway); PubMed 21702907 (cited by Counsyl); PubMed 23249957 (cited by Counsyl); PubMed 18627636 (cited by Counsyl); PubMed 23633455 (cited by Counsyl).